The following is an entry in ClinVar:

NM_004525.3(LRP2):c.3896T>C (p.Met1299Thr)

Gene: LRP2 (LDL receptor related protein 2; minus strand). Cytogenetic location: 2q31.1.
Variant type: single nucleotide variant.
Coding change: c.3896T>C on transcript NM_004525.3 (MANE Select); coding-DNA position 3896, T replaced by C.
Protein change: p.Met1299Thr; replaces methionine 1299 with threonine.
Molecular consequence: missense variant.
Genome position (GRCh38, 1-based): chr2:169,241,137, A>G on the plus strand (T>C on the coding strand, the complement: LRP2 is on the minus strand). VCF-style: chr2-169241137-A-G. GRCh37 (hg19) VCF-style: chr2-170097647-A-G.
Other names: short protein forms M1299T.
Identifiers: ClinVar variation 2420254 (VCV002420254.5), dbSNP rs2528374582, ClinGen allele CA349147429.

ClinVar aggregate classification (germline): Uncertain significance (1 of 4 stars; one submission).

Allele frequency attached by ClinVar (database versions not stated): gnomAD exomes below 0.00001.

Submission:

Labcorp Genetics (formerly Invitae), Labcorp
Classification: Uncertain significance. Last evaluated: 2022-07-14. Review status: criteria provided, single submitter. Criteria: Invitae Variant Classification Sherloc (09022015). Collection method: clinical testing. Allele origin: germline.
Comment: In summary, the available evidence is currently insufficient to determine the role of this variant in disease. Therefore, it has been classified as a Variant of Uncertain Significance. Algorithms developed to predict the effect of missense changes on protein structure and function are either unavailable or do not agree on the potential impact of this missense change (SIFT: "Tolerated"; PolyPhen-2: "Possibly Damaging"; Align-GVGD: "Class C0"). This variant has not been reported in the literature in individuals affected with LRP2-related conditions. This variant is not present in population databases (gnomAD no frequency). This sequence change replaces methionine, which is neutral and non-polar, with threonine, which is neutral and polar, at codon 1299 of the LRP2 protein (p.Met1299Thr).